The following is an entry in ClinVar:

ClinVar aggregate classification (germline): Uncertain significance (1 of 4 stars; one submission).

Submission:

GeneDx
Classification: Uncertain significance. Last evaluated: 2024-12-08. Review status: criteria provided, single submitter. Criteria: GeneDx Variant Classification Process June 2021. Collection method: clinical testing. Allele origin: germline. Affected: yes.
Comment: Not observed at significant frequency in large population cohorts (gnomAD); In silico analysis supports that this missense variant has a deleterious effect on protein structure/function; Has not been previously published as pathogenic or benign to our knowledge

NM_013450.4(BAZ2B):c.2879G>T (p.Arg960Leu)

Gene: BAZ2B (bromodomain adjacent to zinc finger domain 2B; minus strand). Cytogenetic location: 2q24.2.
Variant type: single nucleotide variant.
Coding change: c.2879G>T on transcript NM_013450.4 (MANE Select); coding-DNA position 2879, G replaced by T.
Protein change: p.Arg960Leu; replaces arginine 960 with leucine.
Molecular consequence: missense variant.
Genome position (GRCh38, 1-based): chr2:159,400,618, C>A on the plus strand (G>T on the coding strand, the complement: BAZ2B is on the minus strand). VCF-style: chr2-159400618-C-A. GRCh37 (hg19) VCF-style: chr2-160257129-C-A.
Other names: c.2771G>T, p.Arg924Leu (NM_001289975.1); c.2690G>T, p.Arg897Leu (NM_001329857.2); c.2777G>T, p.Arg926Leu (NM_001329858.2); short protein forms R897L, R924L, R926L, R960L.
Identifiers: ClinVar variation 3903328 (VCV003903328.1).